The following is an entry in ClinVar:

ClinVar aggregate classification (germline): Uncertain significance (1 of 4 stars; one submission).

Submission:

Labcorp Genetics (formerly Invitae), Labcorp
Classification: Uncertain significance. Last evaluated: 2023-06-24. Review status: criteria provided, single submitter. Criteria: Invitae Variant Classification Sherloc (09022015). Collection method: clinical testing. Allele origin: germline.
Comment: In summary, the available evidence is currently insufficient to determine the role of this variant in disease. Therefore, it has been classified as a Variant of Uncertain Significance. Variants that disrupt the consensus splice site are a relatively common cause of aberrant splicing (PMID: 17576681, 9536098). Algorithms developed to predict the effect of sequence changes on RNA splicing suggest that this variant may disrupt the consensus splice site. This variant has not been reported in the literature in individuals affected with ADGRA3-related conditions. This variant is not present in population databases (gnomAD no frequency). This sequence change falls in intron 3 of the ADGRA3 gene. It does not directly change the encoded amino acid sequence of the ADGRA3 protein. It affects a nucleotide within the consensus splice site.

Literature cited by the submitters: PubMed 17576681; PubMed 9536098.

NM_145290.4(ADGRA3):c.401+3_401+6del

Gene: ADGRA3 (adhesion G protein-coupled receptor A3; minus strand). Cytogenetic location: 4p15.2.
Variant type: Deletion.
Coding change: c.401+3_401+6del on transcript NM_145290.4 (MANE Select); bases 3 to 6 of the intron after coding-DNA position 401, 4 bases deleted (AAGT; older notation c.401+3_401+6delAAGT).
Molecular consequence: splice donor variant.
Genome position (GRCh38, 1-based): chr4:22,461,731-22,461,734, ACTT deleted on the plus strand (AAGT on the coding strand, the reverse complement: ADGRA3 is on the minus strand); deleting any 4 consecutive bases within chr4:22,461,731-22,461,736 gives the same sequence; the c. name uses the placement nearest the transcript's 3' end. VCF-style (leftmost placement, unchanged base first): chr4-22461730-CACTT-C. GRCh37 (hg19) VCF-style: chr4-22463353-CACTT-C.
Identifiers: ClinVar variation 2889149 (VCV002889149.3), dbSNP rs2474834277, ClinGen allele CA2670185848.